The following is an entry in ClinVar:

NM_001365480.1(CCDC88A):c.464C>T (p.Ala155Val)

Gene: CCDC88A (coiled-coil and HOOK domain protein 88A; minus strand). Cytogenetic location: 2p16.1.
Variant type: single nucleotide variant.
Coding change: c.464C>T on transcript NM_001365480.1 (MANE Select); coding-DNA position 464, C replaced by T.
Protein change: p.Ala155Val; replaces alanine 155 with valine.
Molecular consequence: missense variant.
Genome position (GRCh38, 1-based): chr2:55,363,972, G>A on the plus strand (C>T on the coding strand, the complement: CCDC88A is on the minus strand). VCF-style: chr2-55363972-G-A. GRCh37 (hg19) VCF-style: chr2-55591108-G-A.
Other names: c.464C>T (NM_001135597.1); c.464C>T, p.Ala155Val (NM_001135597.2, NM_001254943.2, NM_018084.5); short protein forms A155V.
Identifiers: ClinVar variation 1429830 (VCV001429830.9), dbSNP rs766205443, ClinGen allele CA1666381.

ClinVar aggregate classification (germline): Uncertain significance. Review status: criteria provided, multiple submitters, no conflicts (2 of 4 stars). 2 submissions from 2 submitters: Uncertain significance (2). Last evaluated 2024-10-16.

Allele frequency attached by ClinVar (database versions not stated): ExAC 0.00001; gnomAD exomes 0.00001; TOPMed 0.00003.
gnomAD v4.1: 12 of 1,594,682 alleles (0.00075%); highest among the groups gnomAD compares: Admixed American, 0.0034%; no homozygotes.

Submissions (2):

Labcorp Genetics (formerly Invitae), Labcorp
Classification: Uncertain significance. Last evaluated: 2024-10-16. Review status: criteria provided, single submitter. Criteria: Invitae Variant Classification Sherloc (09022015). Collection method: clinical testing. Allele origin: germline.
Comment: This sequence change replaces alanine, which is neutral and non-polar, with valine, which is neutral and non-polar, at codon 155 of the CCDC88A protein (p.Ala155Val). The frequency data for this variant in the population databases is considered unreliable, as metrics indicate poor data quality at this position in the gnomAD database. This variant has not been reported in the literature in individuals affected with CCDC88A-related conditions. ClinVar contains an entry for this variant (Variation ID: 1429830). An algorithm developed to predict the effect of missense changes on protein structure and function (PolyPhen-2) suggests that this variant is likely to be disruptive. In summary, the available evidence is currently insufficient to determine the role of this variant in disease. Therefore, it has been classified as a Variant of Uncertain Significance.

Ambry Genetics
Classification: Uncertain significance. Last evaluated: 2021-11-12. Review status: criteria provided, single submitter. Criteria: Ambry Variant Classification Scheme 2023. Collection method: clinical testing. Allele origin: germline.